The following is an entry in ClinVar:

ClinVar aggregate classification (germline): Pathogenic. Review status: criteria provided, multiple submitters, no conflicts (2 of 4 stars). 3 submissions from 3 submitters: Pathogenic (3). Last evaluated 2025-02-26.

Conditions:
Alport syndrome. Also called: Hemorrhagic familial nephritis; Hemorrhagic hereditary nephritis; Congenital hereditary hematuria. Identifiers: Orphanet 63, MedGen C1567741, MONDO:0018965.

Submissions (3):

GeneDx
Classification: Pathogenic. Last evaluated: 2025-02-26. Review status: criteria provided, single submitter. Criteria: GeneDx Variant Classification Process June 2021. Collection method: clinical testing. Allele origin: germline. Affected: yes.
Comment: Identified in an individual with hematuria in published literature (PMID: 12325029); seen with other variants assumed to be in cis; Frameshift variant predicted to result in protein truncation or nonsense mediated decay in a gene for which loss of function is a known mechanism of disease; Not observed at significant frequency in large population cohorts (gnomAD); Also known as 2952delG; This variant is associated with the following publications: (PMID: 12325029)

Molecular Genetics, Royal Melbourne Hospital
Classification: Pathogenic for Alport syndrome. Last evaluated: 2024-09-08. Review status: criteria provided, single submitter. Criteria: ACMG Guidelines, 2015. Collection method: clinical testing. Allele origin: germline. Inheritance: Semidominant inheritance. Affected: yes.
Comment: This sequence change in COL4A4 is a frameshift variant predicted to create a premature stop codon, p.(Gly915Valfs*35), in biologically relevant exon 31/48 leading to nonsense-mediated decay in a gene in which loss-of-function is an established disease mechanism (PMID: 20301386). Loss-of-function variants are a well-established cause of disease in exon 31 (ClinVar). The highest population minor allele frequency in the population database gnomAD v4.1 is 0.00008% (1/1,180,008 alleles) in the European (non-Finnish) population. This variant has been detected as compound heterozygous in an individual with renal failure (PMID: 24052634). Based on the classification scheme RMH Modified ACMG/AMP Guidelines v1.7.0, this variant is classified as PATHOGENIC. Following criteria are met: PVS1, PM2_Supporting, PM3_Supporting, PM5_Supporting

Revvity Omics, Revvity
Classification: Pathogenic. Last evaluated: 2024-03-12. Review status: criteria provided, single submitter. Criteria: ACMG Guidelines, 2015. Collection method: clinical testing. Allele origin: germline.

Literature cited by the submitters: PubMed 20301386 (cited by Molecular Genetics, Royal Melbourne Hospital); PubMed 24052634 (cited by Molecular Genetics, Royal Melbourne Hospital).

NM_000092.5(COL4A4):c.2744del (p.Gly915fs)

Gene: COL4A4 (collagen type IV alpha 4 chain; minus strand). Cytogenetic location: 2q36.3.
Variant type: Deletion.
Coding change: c.2744del on transcript NM_000092.5 (MANE Select); coding-DNA position 2744, one base deleted (G; older notation c.2744delG).
Protein change: p.Gly915fs; shifts the reading frame from glycine 915.
Molecular consequence: frameshift variant.
Genome position (GRCh38, 1-based): chr2:227,054,710, C deleted on the plus strand (G on the coding strand, the reverse complement: COL4A4 is on the minus strand); the first of 2 consecutive C bases (chr2:227,054,710-227,054,711); deleting either gives the same sequence. VCF-style (leftmost placement, unchanged base first): chr2-227054709-AC-A. GRCh37 (hg19) VCF-style: chr2-227919425-AC-A.
Other names: c.2743delG, p.Gly915Valfs (NM_000092.4); c.2744delG (NM_000092.5); short protein forms G915fs.
Identifiers: ClinVar variation 3383909 (VCV003383909.4).